The following is an entry in ClinVar:

ClinVar aggregate classification (germline): Likely benign (1 of 4 stars; one submission).

Allele frequency attached by ClinVar (database versions not stated): gnomAD exomes below 0.00001 and 0.00001; ExAC 0.00001; TOPMed 0.00001; gnomAD 0.00002.
gnomAD v4.1: 9 of 1,613,838 alleles (0.00056%); highest among the groups gnomAD compares: Non-Finnish European, 0.00076%; no homozygotes.

Submission:

Laboratory for Molecular Medicine, Mass General Brigham Personalized Medicine
Classification: Likely benign. Last evaluated: 2017-08-23. Review status: criteria provided, single submitter. Criteria: LMM Criteria. Collection method: clinical testing. Allele origin: germline. Observed: 1 variant allele.
Comment: p.Gln1851Gln in exon 40 of MYH14: This variant is not expected to have clinical significance because it does not alter an amino acid residue and is not located within the splice consensus sequence. It has been identified in 1/66308 European chromosomes by the Exome Aggregation Consortium (ExAC; dbSNP rs748686805).

NM_001145809.2(MYH14):c.5553G>A (p.Gln1851=)

Gene: MYH14 (myosin heavy chain 14; plus strand). Cytogenetic location: 19q13.33.
Variant type: single nucleotide variant.
Coding change: c.5553G>A on transcript NM_001145809.2 (MANE Select); coding-DNA position 5553, G replaced by A.
Protein change: p.Gln1851=; no amino-acid change (glutamine 1851 retained).
Molecular consequence: synonymous variant.
Genome position (GRCh38, 1-based): chr19:50,301,744, G>A. VCF-style: chr19-50301744-G-A. GRCh37 (hg19) VCF-style: chr19-50805001-G-A.
Other names: c.5454G>A, p.Gln1818= (NM_001077186.2); c.5430G>A, p.Gln1810= (NM_024729.4).
Identifiers: ClinVar variation 930041 (VCV000930041.4), dbSNP rs748686805, ClinGen allele CA9593845.